The following is an entry in ClinVar:

ClinVar aggregate classification (germline): Likely pathogenic (1 of 4 stars; one submission).

Conditions:
Hemolytic uremic syndrome, atypical, susceptibility to, 1. Also called: AHUS, SUSCEPTIBILITY TO, 1. Identifiers: Orphanet 2134, Orphanet 90038, MedGen C2749604, MONDO:0009335, OMIM 235400. Disease mechanism: Other.

Submission:

MVZ Medizinische Genetik Mainz
Classification: Likely pathogenic for Hemolytic uremic syndrome, atypical, susceptibility to, 1. Last evaluated: 2026-10-05. Review status: criteria provided, single submitter. Criteria: UK Practice Guidelines For Variant Classification V4 01 2020. Collection method: clinical testing. Allele origin: germline. Inheritance: Autosomal dominant inheritance. Affected: yes. Observed: 1 variant allele.
Comment: ACMG Criteria: PM1,PM5,PM2_SUP,PP4

NM_000186.4(CFH):c.3355G>T (p.Asp1119Tyr)

Gene: CFH (complement factor H; plus strand). Cytogenetic location: 1q31.3.
Variant type: single nucleotide variant.
Coding change: c.3355G>T on transcript NM_000186.4 (MANE Select); coding-DNA position 3355, G replaced by T.
Protein change: p.Asp1119Tyr; replaces aspartic acid 1119 with tyrosine.
Molecular consequence: missense variant.
Genome position (GRCh38, 1-based): chr1:196,745,861, G>T. VCF-style: chr1-196745861-G-T. GRCh37 (hg19) VCF-style: chr1-196714991-G-T.
Other names: short protein forms D1119Y.
Identifiers: ClinVar variation 5038170 (VCV005038170.1).